The following is an entry in ClinVar:

NM_001014.5(RPS10):c.317C>T (p.Pro106Leu)

Genes: RPS10-NUDT3 (RPS10-NUDT3 readthrough; minus strand), RPS10 (ribosomal protein S10; minus strand). Cytogenetic location: 6p21.31.
Variant type: single nucleotide variant.
Coding change: c.317C>T on transcript NM_001014.5 (MANE Select); coding-DNA position 317, C replaced by T.
Protein change: p.Pro106Leu; replaces proline 106 with leucine.
Molecular consequence: missense variant.
Genome position (GRCh38, 1-based): chr6:34,424,674, G>A on the plus strand (C>T on the coding strand, the complement: RPS10 is on the minus strand). VCF-style: chr6-34424674-G-A. GRCh37 (hg19) VCF-style: chr6-34392451-G-A.
Other names: c.317C>T, p.Pro106Leu (NM_001202470.3, NM_001203245.3, NM_001204091.2); short protein forms P106L.
Identifiers: ClinVar variation 2134497 (VCV002134497.4), dbSNP rs1561940162, ClinGen allele CA363884982.

ClinVar aggregate classification (germline): Uncertain significance (1 of 4 stars; one submission).

Conditions:
Diamond-Blackfan anemia. Also called: Blackfan Diamond syndrome; Aregenerative anemia chronic congenital; Red cell aplasia, pure hereditary; Congenital hypoplastic anemia; Aase syndrome. Identifiers: Orphanet 124, MedGen C1260899, MeSH D029503, MONDO:0015253, HP:0004810.

Allele frequency attached by ClinVar (database versions not stated): gnomAD exomes below 0.00001.
gnomAD v4.1: 6 of 1,614,078 alleles (0.00037%); highest among the groups gnomAD compares: Middle Eastern, 0.05%; no homozygotes.

Submission:

Labcorp Genetics (formerly Invitae), Labcorp
Classification: Uncertain significance for Diamond-Blackfan anemia. Last evaluated: 2022-10-04. Review status: criteria provided, single submitter. Criteria: Invitae Variant Classification Sherloc (09022015). Collection method: clinical testing. Allele origin: germline.
Comment: In summary, the available evidence is currently insufficient to determine the role of this variant in disease. Therefore, it has been classified as a Variant of Uncertain Significance. Algorithms developed to predict the effect of missense changes on protein structure and function (SIFT, PolyPhen-2, Align-GVGD) all suggest that this variant is likely to be tolerated. This sequence change replaces proline, which is neutral and non-polar, with leucine, which is neutral and non-polar, at codon 106 of the RPS10 protein (p.Pro106Leu). This variant is present in population databases (no rsID available, gnomAD 0.0009%). This variant has not been reported in the literature in individuals affected with RPS10-related conditions.